The following is an entry in ClinVar:

ClinVar aggregate classification (germline): Benign/Likely benign. Review status: criteria provided, multiple submitters, no conflicts (2 of 4 stars). 3 submissions from 3 submitters: Benign (1); Likely benign (1). 1 of the submissions does not count toward it. Last evaluated 2026-04-01.

Allele frequency attached by ClinVar (database versions not stated): gnomAD exomes 0.00020 and 0.00051; ExAC 0.00067; ESP Exome Variant Server 0.00154; gnomAD 0.00215 and 0.00228; TOPMed 0.00238; 1000 Genomes Project 30x 0.00437; 1000 Genomes Project 0.00439.
gnomAD v4.1: 640 of 1,614,066 alleles (0.04%); highest among the groups gnomAD compares: African/African-American, 0.76%; 1 homozygote.

Submissions (3):

CeGaT Center for Human Genetics Tuebingen
Classification: Likely benign. Last evaluated: 2026-04-01. Review status: criteria provided, single submitter. Criteria: CeGaT Center For Human Genetics Tuebingen Variant Classification Criteria Version 2. Collection method: clinical testing. Allele origin: germline. Affected: yes. Observed: 3 variant alleles.
Comment: KMT2C: BS1

Labcorp Genetics (formerly Invitae), Labcorp
Classification: Benign. Last evaluated: 2025-11-03. Review status: criteria provided, single submitter. Criteria: Invitae Variant Classification Sherloc (09022015). Collection method: clinical testing. Allele origin: germline.

ITMI
No classification provided. Condition: AllHighlyPenetrant. Last evaluated: 2013-09-19. Review status: no classification provided. Collection method: reference population. Allele origin: germline. Not counted in ClinVar's aggregate classification.
Comment: Please see associated publication for description of ethnicities

Literature cited by the submitters: PubMed 24728327 (cited by ITMI).

NM_170606.3(KMT2C):c.6667G>A (p.Ala2223Thr)

Gene: KMT2C (lysine methyltransferase 2C; minus strand). Cytogenetic location: 7q36.1.
Variant type: single nucleotide variant.
Coding change: c.6667G>A on transcript NM_170606.3 (MANE Select); coding-DNA position 6667, G replaced by A.
Protein change: p.Ala2223Thr; replaces alanine 2223 with threonine.
Molecular consequence: missense variant.
Genome position (GRCh38, 1-based): chr7:152,181,193, C>T on the plus strand (G>A on the coding strand, the complement: KMT2C is on the minus strand). VCF-style: chr7-152181193-C-T. GRCh37 (hg19) VCF-style: chr7-151878278-C-T.
Other names: short protein forms A2223T.
Identifiers: ClinVar variation 134765 (VCV000134765.32), dbSNP rs140432708, ClinGen allele CA160701.